The following is an entry in ClinVar:

ClinVar aggregate classification (germline): Uncertain significance. Review status: criteria provided, single submitter (1 of 4 stars). 2 submissions from 2 submitters: Uncertain significance (1). 1 of the submissions does not count toward it. Last evaluated 2025-08-07.

Submissions (2):

Ambry Genetics
Classification: Uncertain significance. Last evaluated: 2025-08-07. Review status: criteria provided, single submitter. Criteria: Ambry Variant Classification Scheme 2023. Collection method: clinical testing. Allele origin: germline.

Department of Pathology and Laboratory Medicine, Sinai Health System
Classification: Uncertain significance. Review status: no assertion criteria provided. Collection method: clinical testing. Allele origin: unknown. Affected: yes. Study: The Canadian Open Genetics Repository (COGR). Not counted in ClinVar's aggregate classification.
Comment: The NUP37 p.Arg247Ile variant was not identified in the literature nor was it identified in ClinVar. The variant was identified in dbSNP (ID: rs375098950) and in control databases in 1 of 250298 chromosomes at a frequency of 0.000003995 (Genome Aggregation Database March 6, 2019, v2.1.1). The variant was observed in the European (non-Finnish) population in 1 of 113124 chromosomes (freq: 0.000009), but was not observed in the African, Latino, Ashkenazi Jewish, East Asian, European (Finnish), Other, or South Asian populations. The p.Arg247 residue is conserved in mammals but not in more distantly related organisms, and computational analyses (PolyPhen-2, SIFT, AlignGVGD, BLOSUM, MutationTaster) suggest that the variant may impact the protein; however, this information is not predictive enough to assume pathogenicity. The variant occurs outside of the splicing consensus sequence and in silico or computational prediction software programs (SpliceSiteFinder, MaxEntScan, NNSPLICE, GeneSplicer) do not predict a difference in splicing. In summary, based on the above information the clinical significance of this variant cannot be determined with certainty at this time. This variant is classified as a variant of uncertain significance.

NM_024057.4(NUP37):c.740G>T (p.Arg247Ile)

Gene: NUP37 (nucleoporin 37; minus strand). Cytogenetic location: 12q23.2.
Variant type: single nucleotide variant.
Coding change: c.740G>T on transcript NM_024057.4 (MANE Select); coding-DNA position 740, G replaced by T.
Protein change: p.Arg247Ile; replaces arginine 247 with isoleucine.
Molecular consequence: missense variant.
Genome position (GRCh38, 1-based): chr12:102,076,830, C>A on the plus strand (G>T on the coding strand, the complement: NUP37 is on the minus strand). VCF-style: chr12-102076830-C-A. GRCh37 (hg19) VCF-style: chr12-102470608-C-A.
Other names: c.740G>T (NM_024057.2); short protein forms R247I.
Identifiers: ClinVar variation 1049317 (VCV001049317.2), dbSNP rs375098950, ClinGen allele CA386288435.